The following is an entry in ClinVar:

NM_001042492.3(NF1):c.837_838del (p.Glu279fs)

Gene: NF1 (neurofibromin 1; plus strand). Cytogenetic location: 17q11.2.
Variant type: Deletion.
Coding change: c.837_838del on transcript NM_001042492.3 (MANE Select); coding-DNA positions 837 to 838, 2 bases deleted (AA; older notation c.837_838delAA).
Protein change: p.Glu279fs; shifts the reading frame from glutamic acid 279.
Molecular consequence: frameshift variant.
Genome position (GRCh38, 1-based): chr17:31,182,614-31,182,615, AA deleted; deleting any 2 consecutive bases within chr17:31,182,613-31,182,615 gives the same sequence; the c. name uses the placement nearest the transcript's 3' end. VCF-style (leftmost placement, unchanged base first): chr17-31182612-GAA-G. GRCh37 (hg19) VCF-style: chr17-29509630-GAA-G.
Other names: c.837_838delAA, p.Glu279Aspfs (NM_000267.4); c.837_838del, p.Glu279fs (NM_001128147.3); short protein forms E279fs.
Identifiers: ClinVar variation 3359001 (VCV003359001.2).

ClinVar aggregate classification (germline): Likely pathogenic (1 of 4 stars; one submission).

Conditions:
Neurofibromatosis, type 1 (NF1). Also called: VON RECKLINGHAUSEN DISEASE; Peripheral type neurofibromatosis; Neurofibromatosis, type I; NEUROFIBROMATOSIS, TYPE I, SOMATIC. Identifiers: Orphanet 636, MedGen C0027831, MONDO:0018975, OMIM 162200. Disease mechanism: loss of function.

Submission:

Institute of Human Genetics, University of Leipzig Medical Center
Classification: Likely pathogenic for Neurofibromatosis, type 1. Last evaluated: 2024-05-14. Review status: criteria provided, single submitter. Criteria: ACMG Guidelines, 2015. Collection method: clinical testing. Allele origin: unknown. Affected: yes.
Comment: Criteria applied: PVS1,PM2_SUP